The following is an entry in ClinVar:

ClinVar aggregate classification (germline): Conflicting classifications of pathogenicity. Review status: criteria provided, conflicting classifications (1 of 4 stars). 3 submissions from 3 submitters: Likely pathogenic (1); Uncertain significance (2). Last evaluated 2025-04-25.

Conditions:
GRXCR1-related disorder. Also called: GRXCR1-related condition.
Hearing impairment. Also called: Impaired Hearing. Identifiers: MedGen C1384666, MONDO:0005365, HP:0000365.

Allele frequency attached by ClinVar (database versions not stated): ExAC 0.00004; gnomAD exomes 0.00005; TOPMed 0.00007; gnomAD 0.00009; 1000 Genomes Project 30x 0.00016; 1000 Genomes Project 0.00020.
gnomAD v4.1: 60 of 1,612,656 alleles (0.0037%); highest among the groups gnomAD compares: Middle Eastern, 0.017%; no homozygotes.

Submissions (3):

PreventionGenetics, part of Exact Sciences
Classification: Uncertain significance for GRXCR1-related condition. Last evaluated: 2025-04-25. Review status: criteria provided, single submitter. Criteria: ACMG Guidelines, 2015. Collection method: clinical testing. Allele origin: germline.
Comment: The GRXCR1 c.439C>T variant is predicted to result in the amino acid substitution p.Arg147Cys. This variant was reported in the compound heterozygous state with a truncating variant in two siblings with progressive hearing loss and dizziness (Mori et al. 2015. PubMed ID: 25802247). This variant is reported in 0.011% of alleles in individuals of Latino descent in gnomAD. Although we suspect that this variant may be pathogenic, at this time, the clinical significance of this variant is uncertain due to the absence of conclusive functional and genetic evidence.

GeneDx
Classification: Uncertain significance. Last evaluated: 2024-10-27. Review status: criteria provided, single submitter. Criteria: GeneDx Variant Classification Process June 2021. Collection method: clinical testing. Allele origin: germline. Affected: yes.
Comment: Reported in unrelated patients with hearing loss in published literature (PMID: 25802247); In silico analysis indicates that this missense variant does not alter protein structure/function; This variant is associated with the following publications: (PMID: 34426522, 37009772, 38790200, 25802247)

Department of Otolaryngology – Head & Neck Surgery, Cochlear Implant Center
Classification: Likely pathogenic for Hearing impairment. Last evaluated: 2021-04-12. Review status: criteria provided, single submitter. Criteria: ClinGen HL ACMG Specifications v1. Collection method: clinical testing. Allele origin: germline. Affected: yes.
Comment: PS1_Strong, PM2_Moderate, PP3_Supporting

Literature cited by the submitters: PubMed 25802247 (cited by Department of Otolaryngology – Head & Neck Surgery, Cochlear Implant Center).

NM_001080476.3(GRXCR1):c.439C>T (p.Arg147Cys)

Gene: GRXCR1 (glutaredoxin and cysteine rich domain containing 1; plus strand). Cytogenetic location: 4p13.
Variant type: single nucleotide variant.
Coding change: c.439C>T on transcript NM_001080476.3 (MANE Select); coding-DNA position 439, C replaced by T.
Protein change: p.Arg147Cys; replaces arginine 147 with cysteine.
Molecular consequence: missense variant.
Genome position (GRCh38, 1-based): chr4:42,962,946, C>T. VCF-style: chr4-42962946-C-T. GRCh37 (hg19) VCF-style: chr4-42964963-C-T.
Other names: short protein forms R147C.
Identifiers: ClinVar variation 632441 (VCV000632441.9), dbSNP rs569193097, ClinGen allele CA2904401.